The following is an entry in ClinVar:

NM_004448.4(ERBB2):c.1882A>G (p.Ile628Val)

Gene: ERBB2 (erb-b2 receptor tyrosine kinase 2; plus strand). Cytogenetic location: 17q12.
Variant type: single nucleotide variant.
Coding change: c.1882A>G on transcript NM_004448.4 (MANE Select); coding-DNA position 1882, A replaced by G.
Protein change: p.Ile628Val; replaces isoleucine 628 with valine.
Molecular consequence: missense variant. On other transcripts: non-coding transcript variant (1), intron variant (1).
Genome position (GRCh38, 1-based): chr17:39,717,464, A>G. VCF-style: chr17-39717464-A-G. GRCh37 (hg19) VCF-style: chr17-37873717-A-G.
Other names: c.1792A>G, p.Ile598Val (NM_001382783.1, NM_001005862.3, NM_001289938.2 and 1 more transcripts); c.1882A>G, p.Ile628Val (NM_001382794.1, NM_001289937.2, NM_001382795.1 and 9 more transcripts); c.1837A>G, p.Ile613Val (NM_001289936.2); c.1702A>G, p.Ile568Val (NM_001382799.1); c.1624A>G, p.Ile542Val (NM_001382802.1); c.1054A>G, p.Ile352Val (NM_001382804.1); c.1222+2105A>G (NM_001382806.1); c.1999A>G, p.Ile667Val (NM_001382784.1, NM_001382786.1); and 6 more; short protein forms I628V, I653V, I542V, I568V, I627V, I635V, I638V, I352V.
Identifiers: ClinVar variation 2898706 (VCV002898706.3), dbSNP rs1412157429, ClinGen allele CA399296009.
Genomic context (GRCh38, chr17:39,717,464, plus strand): 5'-CTCTCCTACATGCCCATCTGGAAGTTTCCAGATGAGGAGGGCGCATGCCAGCCTTGCCCC[A>G]TCAACTGCACCCACTCGTGAGTCCAACGGTCTTTTCTGCAGAAAGGAGGACTTTCCTTTC-3'
Protein context (NP_004439.2, residues 618-638): DEEGACQPCP[Ile628Val]NCTHSCVDLD

ClinVar aggregate classification (germline): Uncertain significance (1 of 4 stars; one submission).

Allele frequency attached by ClinVar (database versions not stated): gnomAD exomes below 0.00001.
gnomAD v4.1: 1 of 1,612,958 alleles (0.000062%); highest among the groups gnomAD compares: South Asian, 0.0011%; no homozygotes.

Submission:

Labcorp Genetics (formerly Invitae), Labcorp
Classification: Uncertain significance. Last evaluated: 2024-01-25. Review status: criteria provided, single submitter. Criteria: Invitae Variant Classification Sherloc (09022015). Collection method: clinical testing. Allele origin: germline.
Comment: This sequence change replaces isoleucine, which is neutral and non-polar, with valine, which is neutral and non-polar, at codon 628 of the ERBB2 protein (p.Ile628Val). This variant is not present in population databases (gnomAD no frequency). This variant has not been reported in the literature in individuals affected with ERBB2-related conditions. Advanced modeling of protein sequence and biophysical properties (such as structural, functional, and spatial information, amino acid conservation, physicochemical variation, residue mobility, and thermodynamic stability) performed at Invitae indicates that this missense variant is not expected to disrupt ERBB2 protein function with a negative predictive value of 80%. In summary, the available evidence is currently insufficient to determine the role of this variant in disease. Therefore, it has been classified as a Variant of Uncertain Significance.